The following is an entry in ClinVar:

NM_000201.3(ICAM1):c.1372C>T (p.Arg458Trp)

Gene: ICAM1 (intercellular adhesion molecule 1; plus strand). Cytogenetic location: 19p13.2.
Variant type: single nucleotide variant.
Coding change: c.1372C>T on transcript NM_000201.3 (MANE Select); coding-DNA position 1372, C replaced by T.
Protein change: p.Arg458Trp; replaces arginine 458 with tryptophan.
Molecular consequence: missense variant.
Genome position (GRCh38, 1-based): chr19:10,284,974, C>T. VCF-style: chr19-10284974-C-T. GRCh37 (hg19) VCF-style: chr19-10395650-C-T.
Other names: short protein forms R458W.
Identifiers: ClinVar variation 717372 (VCV000717372.29), dbSNP rs150121537, ClinGen allele CA9190073.
Genomic context (GRCh38, chr19:10,284,974, plus strand): 5'-CCACTGCCCATCGGGGAATCAGTGACTGTCACTCGAGATCTTGAGGGCACCTACCTCTGT[C>T]GGGCCAGGAGCACTCAAGGGGAGGTCACCCGCAAGGTGACCGTGAATGTGCTCTGTGAGT-3'
Protein context (NP_000192.2, residues 448-468): TRDLEGTYLC[Arg458Trp]ARSTQGEVTR

ClinVar aggregate classification (germline): Benign/Likely benign. Review status: criteria provided, multiple submitters, no conflicts (2 of 4 stars). 4 submissions from 4 submitters: Benign (2); Likely benign (1). 1 of the submissions does not count toward it. Last evaluated 2023-05-01.

Conditions:
ICAM1-related disorder. Also called: ICAM1-related condition.

Allele frequency attached by ClinVar (database versions not stated): 1000 Genomes Project 30x 0.00031; 1000 Genomes Project 0.00040; TOPMed 0.00162; ESP Exome Variant Server 0.00185; ExAC 0.00242; gnomAD exomes 0.00248 and 0.00272; gnomAD 0.00293 and 0.00307.
gnomAD v4.1: 4,341 of 1,611,720 alleles (0.27%); highest among the groups gnomAD compares: Non-Finnish European, 0.3%; 18 homozygotes.

Submissions (4):

CeGaT Center for Human Genetics Tuebingen
Classification: Likely benign. Last evaluated: 2023-05-01. Review status: criteria provided, single submitter. Criteria: CeGaT Center For Human Genetics Tuebingen Variant Classification Criteria Version 2. Collection method: clinical testing. Allele origin: germline. Affected: yes. Observed: 1 variant allele.
Comment: ICAM1: BP4, BS2

Labcorp Genetics (formerly Invitae), Labcorp
Classification: Benign. Last evaluated: 2018-08-16. Review status: criteria provided, single submitter. Criteria: Invitae Variant Classification Sherloc (09022015). Collection method: clinical testing. Allele origin: germline.

Breakthrough Genomics
Classification: Benign. Review status: criteria provided, single submitter. Criteria: ACMG Guidelines, 2015. Collection method: not provided. Allele origin: germline. Inheritance: Unknown mechanism. Affected: yes.

PreventionGenetics, part of Exact Sciences
Classification: Benign for ICAM1-related condition. Last evaluated: 2021-06-12. Review status: no assertion criteria provided. Collection method: clinical testing. Allele origin: germline. Not counted in ClinVar's aggregate classification.
Comment: This variant is classified as benign based on ACMG/AMP sequence variant interpretation guidelines (Richards et al. 2015 PMID: 25741868, with internal and published modifications).